The following is an entry in ClinVar:

NR_033294.2(SNORD118):n.5T>G

Genes: SNORD118 (small nucleolar RNA, C/D box 118; minus strand), TMEM107 (transmembrane protein 107; minus strand). Cytogenetic location: 17p13.1.
Variant type: single nucleotide variant.
Molecular consequence: non-coding transcript variant (on NR_033294.2). On other transcripts: 3 prime UTR variant (5).
Genome position: GRCh38 VCF-style: chr17-8173584-A-C. GRCh37 (hg19) VCF-style: chr17-8076902-A-C.
Other names: c.*619T>G (NM_001351278.2, NM_001351279.2, NM_001351280.2 and 2 more transcripts).
Identifiers: ClinVar variation 1361005 (VCV001361005.33), dbSNP rs539989837, ClinGen allele CA8370840.

ClinVar aggregate classification (germline): Uncertain significance. Review status: criteria provided, multiple submitters, no conflicts (2 of 4 stars). 2 submissions from 2 submitters: Uncertain significance (2). Last evaluated 2024-11-05.

gnomAD v4.1: 74 of 764,298 alleles (0.0097%); highest among the groups gnomAD compares: East Asian, 0.019%; no homozygotes.

Submissions (2):

Labcorp Genetics (formerly Invitae), Labcorp
Classification: Uncertain significance. Last evaluated: 2024-11-05. Review status: criteria provided, single submitter. Criteria: Invitae Variant Classification Sherloc (09022015). Collection method: clinical testing. Allele origin: germline.
Comment: This variant occurs in the SNORD118 gene, which encodes an RNA molecule that does not result in a protein product. This variant is present in population databases (rs539989837, gnomAD 0.01%). This variant has not been reported in the literature in individuals affected with SNORD118-related conditions. ClinVar contains an entry for this variant (Variation ID: 1361005). Experimental studies and prediction algorithms are not available or were not evaluated, and the functional significance of this variant is currently unknown. In summary, the available evidence is currently insufficient to determine the role of this variant in disease. Therefore, it has been classified as a Variant of Uncertain Significance.

CeGaT Center for Human Genetics Tuebingen
Classification: Uncertain significance. Last evaluated: 2022-09-01. Review status: criteria provided, single submitter. Criteria: CeGaT Center For Human Genetics Tuebingen Variant Classification Criteria Version 2. Collection method: clinical testing. Allele origin: germline. Affected: yes. Observed: 1 variant allele.